The following is an entry in ClinVar:

ClinVar aggregate classification (germline): Uncertain significance (1 of 4 stars; one submission).

Conditions:
Disseminated atypical mycobacterial infection. Identifiers: MedGen C0694566.

Allele frequency attached by ClinVar (database versions not stated): gnomAD exomes below 0.00001 and 0.00002; ExAC 0.00002; gnomAD 0.00003; ESP Exome Variant Server 0.00008; TOPMed 0.00008.

Submission:

Labcorp Genetics (formerly Invitae), Labcorp
Classification: Uncertain significance for Disseminated atypical mycobacterial infection. Last evaluated: 2024-05-30. Review status: criteria provided, single submitter. Criteria: Invitae Variant Classification Sherloc (09022015). Collection method: clinical testing. Allele origin: germline.
Comment: This sequence change replaces valine, which is neutral and non-polar, with glycine, which is neutral and non-polar, at codon 468 of the IFNGR1 protein (p.Val468Gly). This variant is present in population databases (rs371217100, gnomAD 0.03%). This variant has not been reported in the literature in individuals affected with IFNGR1-related conditions. ClinVar contains an entry for this variant (Variation ID: 1400688). Advanced modeling of protein sequence and biophysical properties (such as structural, functional, and spatial information, amino acid conservation, physicochemical variation, residue mobility, and thermodynamic stability) performed at Invitae indicates that this missense variant is not expected to disrupt IFNGR1 protein function with a negative predictive value of 80%. In summary, the available evidence is currently insufficient to determine the role of this variant in disease. Therefore, it has been classified as a Variant of Uncertain Significance.

NM_000416.3(IFNGR1):c.1403T>G (p.Val468Gly)

Gene: IFNGR1 (interferon gamma receptor 1; minus strand). Cytogenetic location: 6q23.3.
Variant type: single nucleotide variant.
Coding change: c.1403T>G on transcript NM_000416.3 (MANE Select); coding-DNA position 1403, T replaced by G.
Protein change: p.Val468Gly; replaces valine 468 with glycine.
Molecular consequence: missense variant.
Genome position (GRCh38, 1-based): chr6:137,198,098, A>C on the plus strand (T>G on the coding strand, the complement: IFNGR1 is on the minus strand). VCF-style: chr6-137198098-A-C. GRCh37 (hg19) VCF-style: chr6-137519235-A-C.
Other names: c.1373T>G, p.Val458Gly (NM_001363526.1); c.1280T>G, p.Val427Gly (NM_001363527.1); short protein forms V427G, V468G, V458G.
Identifiers: ClinVar variation 1400688 (VCV001400688.9), dbSNP rs371217100, ClinGen allele CA4018755.